The following is an entry in ClinVar:

ClinVar aggregate classification (germline): Conflicting classifications of pathogenicity. Review status: criteria provided, conflicting classifications (1 of 4 stars). 11 submissions from 11 submitters: Uncertain significance (3); Benign (1); Likely benign (5). 2 of the submissions do not count toward it. Last evaluated 2026-02-20.

Conditions:
TSC2-related disorder. Also called: TSC2-related condition; TSC2-Related Disorders.
Hereditary cancer-predisposing syndrome. Also called: Neoplastic Syndromes, Hereditary; Hereditary neoplastic syndrome; Tumor predisposition; Hereditary Cancer Syndrome. Identifiers: Orphanet 140162, MedGen C0027672, MeSH D009386, MONDO:0015356.
Tuberous sclerosis syndrome (TSC). Also called: Tuberous Sclerosis Complex; Tuberous sclerosis. Identifiers: Orphanet 805, MedGen C0041341, MONDO:0001734.
Tuberous sclerosis 2 (TSC2). Identifiers: Orphanet 805, MedGen C1860707, MONDO:0013199, OMIM 613254.

Allele frequency attached by ClinVar (database versions not stated): ExAC 0.00001; TOPMed 0.00005; gnomAD exomes 0.00002.
gnomAD v4.1: 11 of 1,612,718 alleles (0.00068%); highest among the groups gnomAD compares: Admixed American, 0.0067%; no homozygotes.

Submissions (11):

St. Jude Molecular Pathology, St. Jude Children's Research Hospital
Classification: Uncertain significance for Tuberous sclerosis 2. Last evaluated: 2026-02-20. Review status: criteria provided, single submitter. Criteria: St. Jude Assertion Criteria 2020. Collection method: clinical testing. Allele origin: germline.
Comment: The TSC2 c.4106G>A p.(Arg1369Gln) missense change has a maximum subpopulation frequency of 0.01% in gnomAD v2.1.1. The in silico tool REVEL is inconclusive about a pathogenic or benign effect of this variant on protein function, and to our knowledge functional studies have not been performed. In summary, the evidence currently available is insufficient to determine the clinical significance of this variant. It has therefore been classified as of uncertain significance.

Labcorp Genetics (formerly Invitae), Labcorp
Classification: Benign for Tuberous sclerosis 2. Last evaluated: 2026-01-16. Review status: criteria provided, single submitter. Criteria: Invitae Variant Classification Sherloc (09022015). Collection method: clinical testing. Allele origin: germline.

Ambry Genetics
Classification: Likely benign for Hereditary cancer-predisposing syndrome. Last evaluated: 2025-12-22. Review status: criteria provided, single submitter. Criteria: Ambry Variant Classification Scheme 2023. Collection method: clinical testing. Allele origin: germline.

Myriad Genetics, Inc.
Classification: Likely benign for Tuberous sclerosis 2. Last evaluated: 2024-08-06. Review status: criteria provided, single submitter. Criteria: Myriad Autosomal Dominant, Autosomal Recessive and X-Linked Classification Criteria (2023). Collection method: clinical testing. Allele origin: unknown.
Comment: This variant is considered likely benign. This variant has been observed at a population frequency that is significantly greater than expected given the associated disease prevalence and penetrance.

Department of Pathology and Laboratory Medicine, Sinai Health System
Classification: Uncertain significance for Tuberous sclerosis 2. Last evaluated: 2024-03-06. Review status: criteria provided, single submitter. Criteria: ACMG Guidelines, 2015. Collection method: clinical testing. Allele origin: germline. Affected: yes.

Color Diagnostics, LLC DBA Color Health
Classification: Likely benign for Tuberous sclerosis syndrome. Last evaluated: 2022-08-16. Review status: criteria provided, single submitter. Criteria: ACMG Guidelines, 2015. Collection method: clinical testing. Allele origin: germline.

Sema4
Classification: Likely benign for Hereditary cancer-predisposing syndrome. Last evaluated: 2022-02-16. Review status: criteria provided, single submitter. Criteria: Sema4 Curation Guidelines. Collection method: curation. Allele origin: germline.

Genome-Nilou Lab
Classification: Likely benign for Tuberous sclerosis 2. Last evaluated: 2021-11-07. Review status: criteria provided, single submitter. Criteria: ACMG Guidelines, 2015. Collection method: clinical testing. Allele origin: germline. Affected: no.

New York Genome Center
Classification: Uncertain significance for Tuberous sclerosis 2. Last evaluated: 2021-01-08. Review status: criteria provided, single submitter. Criteria: NYGC Assertion Criteria 2020. Collection method: clinical testing. Allele origin: inherited. Observed: 1 heterozygote. Study: CSER-NYCKidSeq.

PreventionGenetics, part of Exact Sciences
Classification: Uncertain significance for TSC2-related condition. Last evaluated: 2024-04-11. Review status: no assertion criteria provided. Collection method: clinical testing. Allele origin: germline. Not counted in ClinVar's aggregate classification.
Comment: The TSC2 c.4106G>A variant is predicted to result in the amino acid substitution p.Arg1369Gln. This variant was reported in an individual with autism spectrum disorder (Table S3, Saskin et al. 2017. PubMed ID: 28250423; g.2074330 hg18 in Table 1, Schaaf et al. 2011. PubMed: 21624971). However, the variant was also reported in a healthy control (g.2134329 hg19 in Table S1, Bodian et al. 2014. PubMed ID: 24728327). This variant is reported in 0.011% of alleles in individuals of East Asian descent in gnomAD and has conflicting interpretations ranging from uncertain to benign in ClinVar. At this time, the clinical significance of this variant is uncertain due to the absence of conclusive functional and genetic evidence.

ITMI
No classification provided. Condition: AllHighlyPenetrant. Last evaluated: 2013-09-19. Review status: no classification provided. Collection method: reference population. Allele origin: germline. Not counted in ClinVar's aggregate classification.
Comment: Please see associated publication for description of ethnicities

Literature cited by the submitters: PubMed 23514105 (cited by Ambry Genetics); PubMed 24728327 (cited by ITMI).

NM_000548.5(TSC2):c.4106G>A (p.Arg1369Gln)

Gene: TSC2 (TSC complex subunit 2; plus strand). Cytogenetic location: 16p13.3.
Variant type: single nucleotide variant.
Coding change: c.4106G>A on transcript NM_000548.5 (MANE Select); coding-DNA position 4106, G replaced by A.
Protein change: p.Arg1369Gln; replaces arginine 1369 with glutamine.
Molecular consequence: missense variant.
Genome position (GRCh38, 1-based): chr16:2,084,328, G>A. VCF-style: chr16-2084328-G-A. GRCh37 (hg19) VCF-style: chr16-2134329-G-A.
Other names: c.3905G>A, p.Arg1302Gln (NM_001077183.3); c.4037G>A, p.Arg1346Gln (NM_001114382.3); c.3797G>A, p.Arg1266Gln (NM_001318827.2); c.3761G>A, p.Arg1254Gln (NM_001318829.2); c.3374G>A, p.Arg1125Gln (NM_001318831.2); c.3938G>A, p.Arg1313Gln (NM_001318832.2); c.3908G>A, p.Arg1303Gln (NM_001363528.2); c.3974G>A, p.Arg1325Gln (NM_001370404.1); and 2 more; short protein forms R1369Q, R1254Q, R1326Q, R1125Q, R1303Q, R1313Q, R1266Q, R1302Q.
Identifiers: ClinVar variation 135386 (VCV000135386.27), dbSNP rs587778738, ClinGen allele CA019956.